The following is an entry in ClinVar:

NM_006231.4(POLE):c.2891C>G (p.Ser964Cys)

Gene: POLE (DNA polymerase epsilon, catalytic subunit; minus strand). Cytogenetic location: 12q24.33.
Variant type: single nucleotide variant.
Coding change: c.2891C>G on transcript NM_006231.4 (MANE Select); coding-DNA position 2891, C replaced by G.
Protein change: p.Ser964Cys; replaces serine 964 with cysteine.
Molecular consequence: missense variant.
Genome position (GRCh38, 1-based): chr12:132,661,138, G>C on the plus strand (C>G on the coding strand, the complement: POLE is on the minus strand). VCF-style: chr12-132661138-G-C. GRCh37 (hg19) VCF-style: chr12-133237724-G-C.
Other names: c.2891C>G (NM_006231.2); short protein forms S964C.
Identifiers: ClinVar variation 2576448 (VCV002576448.4), dbSNP rs2042671209, ClinGen allele CA387392827.

ClinVar aggregate classification (germline): Uncertain significance. Review status: criteria provided, multiple submitters, no conflicts (2 of 4 stars). 3 submissions from 3 submitters: Uncertain significance (3). Last evaluated 2025-10-01.

Conditions:
Hereditary cancer-predisposing syndrome. Also called: Tumor predisposition; Hereditary neoplastic syndrome; Neoplastic Syndromes, Hereditary; Hereditary Cancer Syndrome. Identifiers: Orphanet 140162, MedGen C0027672, MeSH D009386, MONDO:0015356.

Submissions (3):

Labcorp Genetics (formerly Invitae), Labcorp
Classification: Uncertain significance. Last evaluated: 2025-10-01. Review status: criteria provided, single submitter. Criteria: Invitae Variant Classification Sherloc (09022015). Collection method: clinical testing. Allele origin: germline.
Comment: This sequence change replaces serine, which is neutral and polar, with cysteine, which is neutral and slightly polar, at codon 964 of the POLE protein (p.Ser964Cys). This variant is not present in population databases (gnomAD no frequency). This variant has not been reported in the literature in individuals affected with POLE-related conditions. ClinVar contains an entry for this variant (Variation ID: 2576448). Invitae Evidence Modeling of protein sequence and biophysical properties (such as structural, functional, and spatial information, amino acid conservation, physicochemical variation, residue mobility, and thermodynamic stability) indicates that this missense variant is expected to disrupt POLE protein function with a positive predictive value of 80%. In summary, the available evidence is currently insufficient to determine the role of this variant in disease. Therefore, it has been classified as a Variant of Uncertain Significance.

Center for Genomic Medicine, Rigshospitalet, Copenhagen University Hospital
Classification: Uncertain significance. Last evaluated: 2025-03-04. Review status: criteria provided, single submitter. Criteria: ACMG Guidelines, 2015. Collection method: clinical testing. Allele origin: germline.

Ambry Genetics
Classification: Uncertain significance for Hereditary cancer-predisposing syndrome. Last evaluated: 2022-12-16. Review status: criteria provided, single submitter. Criteria: Ambry Variant Classification Scheme 2023. Collection method: clinical testing. Allele origin: germline.
Comment: The p.S964C variant (also known as c.2891C>G), located in coding exon 25 of the POLE gene, results from a C to G substitution at nucleotide position 2891. The serine at codon 964 is replaced by cysteine, an amino acid with dissimilar properties. This amino acid position is conserved. In addition, the in silico prediction for this alteration is inconclusive. Since supporting evidence is limited at this time, the clinical significance of this alteration remains unclear.